The following is an entry in ClinVar:

NM_203446.3(SYNJ1):c.1534+5A>G

Gene: SYNJ1 (synaptojanin 1; minus strand). Cytogenetic location: 21q22.11.
Variant type: single nucleotide variant.
Coding change: c.1534+5A>G on transcript NM_203446.3 (MANE Select); 5 bases into the intron after coding-DNA position 1534, A replaced by G.
Molecular consequence: intron variant.
Genome position (GRCh38, 1-based): chr21:32,676,327, T>C on the plus strand (A>G on the coding strand, the complement: SYNJ1 is on the minus strand). VCF-style: chr21-32676327-T-C. GRCh37 (hg19) VCF-style: chr21-34048637-T-C.
Other names: c.1651+5A>G (NM_003895.4); c.1534+5A>G (NM_001160302.2); c.1519+2318A>G (NM_001160306.2).
Identifiers: ClinVar variation 856584 (VCV000856584.9), dbSNP rs367718431, ClinGen allele CA319440375.
Genomic context (GRCh38, chr21:32,676,327, plus strand): 5'-ATATCGACTTCAGAAAAAATAAGAAAAAATTGCTTTTATTTATAGATTGATTTTCTATAC[T>C]GTACCTGACTGTAATGTCTGCTCAGAAACTATGGATGCAACAAGAAGAAAACAAAGAATC-3'

ClinVar aggregate classification (germline): Uncertain significance (1 of 4 stars; one submission).

Conditions:
Developmental and epileptic encephalopathy, 53. Also called: Epileptic encephalopathy, early infantile, 53. Identifiers: MedGen C4479313, MONDO:0033362, OMIM 617389.
Early-onset Parkinson disease 20. Also called: PARKINSON DISEASE 20, AUTOSOMAL RECESSIVE EARLY-ONSET. Identifiers: Orphanet 391411, MedGen C3809824, MONDO:0014233, OMIM 615530.

Allele frequency attached by ClinVar (database versions not stated): ESP Exome Variant Server 0.00008; TOPMed 0.00002.
gnomAD v4.1: 13 of 1,592,404 alleles (0.00082%); highest among the groups gnomAD compares: East Asian, 0.0068%; no homozygotes.

Submission:

Labcorp Genetics (formerly Invitae), Labcorp
Classification: Uncertain significance for Developmental and epileptic encephalopathy, 53; Early-onset Parkinson disease 20. Last evaluated: 2024-10-22. Review status: criteria provided, single submitter. Criteria: Invitae Variant Classification Sherloc (09022015). Collection method: clinical testing. Allele origin: germline.
Comment: This sequence change falls in intron 13 of the SYNJ1 gene. It does not directly change the encoded amino acid sequence of the SYNJ1 protein. It affects a nucleotide within the consensus splice site. This variant is present in population databases (rs367718431, gnomAD 0.006%). This variant has not been reported in the literature in individuals affected with SYNJ1-related conditions. ClinVar contains an entry for this variant (Variation ID: 856584). Variants that disrupt the consensus splice site are a relatively common cause of aberrant splicing (PMID: 17576681, 9536098). Algorithms developed to predict the effect of sequence changes on RNA splicing suggest that this variant is not likely to affect RNA splicing. In summary, the available evidence is currently insufficient to determine the role of this variant in disease. Therefore, it has been classified as a Variant of Uncertain Significance.

Literature cited by the submitters: PubMed 17576681; PubMed 9536098.